The following is an entry in ClinVar:

ClinVar aggregate classification (germline): Likely pathogenic (1 of 4 stars; one submission).

Conditions:
Glycine encephalopathy. Also called: Non-ketotic hyperglycinemia; Nonketotic hyperglycinemia. Identifiers: Orphanet 407, MedGen C0751748, MONDO:0011612, HP:0008288.

Submission:

Labcorp Genetics (formerly Invitae), Labcorp
Classification: Likely pathogenic for Glycine encephalopathy. Last evaluated: 2022-11-15. Review status: criteria provided, single submitter. Criteria: Invitae Variant Classification Sherloc (09022015). Collection method: clinical testing. Allele origin: germline.
Comment: Algorithms developed to predict the effect of sequence changes on RNA splicing suggest that this variant may disrupt the consensus splice site. In summary, the currently available evidence indicates that the variant is pathogenic, but additional data are needed to prove that conclusively. Therefore, this variant has been classified as Likely Pathogenic. This variant has not been reported in the literature in individuals affected with AMT-related conditions. ClinVar contains an entry for this variant (Variation ID: 531772). This sequence change affects a donor splice site in intron 6 of the AMT gene. It is expected to disrupt RNA splicing. Variants that disrupt the donor or acceptor splice site typically lead to a loss of protein function (PMID: 16199547), and loss-of-function variants in AMT are known to be pathogenic (PMID: 16450403). This variant is not present in population databases (gnomAD no frequency).

Literature cited by the submitters: PubMed 16199547; PubMed 16450403.

NM_000481.4(AMT):c.696+2T>A

Gene: AMT (aminomethyltransferase; minus strand). Cytogenetic location: 3p21.31.
Variant type: single nucleotide variant.
Coding change: c.696+2T>A on transcript NM_000481.4 (MANE Select); the canonical splice donor site of the intron after coding-DNA position 696, T replaced by A.
Molecular consequence: splice donor variant.
Genome position (GRCh38, 1-based): chr3:49,419,258, A>T on the plus strand (T>A on the coding strand, the complement: AMT is on the minus strand). VCF-style: chr3-49419258-A-T. GRCh37 (hg19) VCF-style: chr3-49456691-A-T.
Other names: c.528+2T>A (NM_001164711.2); c.564+2T>A (NM_001164710.2); c.696+2T>A (NM_001164712.2).
Identifiers: ClinVar variation 531772 (VCV000531772.6), dbSNP rs541594122, ClinGen allele CA352790036.